The following is an entry in ClinVar:

ClinVar aggregate classification (germline): Uncertain significance (1 of 4 stars; one submission).

Conditions:
Hereditary sensory and autonomic neuropathy type 7. Also called: HSAN VII; Neuropathy, hereditary sensory and autonomic, type VII. Identifiers: Orphanet 391397, MedGen C3809882, MONDO:0014244, OMIM 615548.
Familial episodic pain syndrome with predominantly lower limb involvement. Also called: Episodic pain syndrome, familial, 3. Identifiers: Orphanet 391384, Orphanet 391392, MedGen C3809899, MONDO:0014247, OMIM 615552.

Submission:

Labcorp Genetics (formerly Invitae), Labcorp
Classification: Uncertain significance for Familial episodic pain syndrome with predominantly lower limb involvement; Hereditary sensory and autonomic neuropathy type 7. Last evaluated: 2024-02-22. Review status: criteria provided, single submitter. Criteria: Invitae Variant Classification Sherloc (09022015). Collection method: clinical testing. Allele origin: germline.
Comment: This sequence change affects a donor splice site in intron 13 of the SCN11A gene. It is expected to disrupt RNA splicing. Variants that disrupt the donor or acceptor splice site typically lead to a loss of protein function (PMID: 16199547), however the current clinical and genetic evidence is not sufficient to establish whether loss-of-function variants in SCN11A cause disease. This variant is not present in population databases (gnomAD no frequency). This variant has not been reported in the literature in individuals affected with SCN11A-related conditions. Algorithms developed to predict the effect of sequence changes on RNA splicing suggest that this variant may disrupt the consensus splice site. In summary, the available evidence is currently insufficient to determine the role of this variant in disease. Therefore, it has been classified as a Variant of Uncertain Significance.

Literature cited by the submitters: PubMed 16199547.

NM_001349253.2(SCN11A):c.2022+2T>C

Gene: SCN11A (sodium voltage-gated channel alpha subunit 11; minus strand). Cytogenetic location: 3p22.2.
Variant type: single nucleotide variant.
Coding change: c.2022+2T>C on transcript NM_001349253.2 (MANE Select); the canonical splice donor site of the intron after coding-DNA position 2022, T replaced by C.
Molecular consequence: splice donor variant.
Genome position (GRCh38, 1-based): chr3:38,899,892, A>G on the plus strand (T>C on the coding strand, the complement: SCN11A is on the minus strand). VCF-style: chr3-38899892-A-G. GRCh37 (hg19) VCF-style: chr3-38941383-A-G.
Other names: c.2022+2T>C (NM_014139.3).
Identifiers: ClinVar variation 3754858 (VCV003754858.2).